The following is an entry in ClinVar:

ClinVar aggregate classification (germline): Uncertain significance (1 of 4 stars; one submission).

Allele frequency attached by ClinVar (database versions not stated): TOPMed below 0.00001.
gnomAD v4.1: 1 of 1,613,318 alleles (0.000062%); no homozygotes.

Submission:

Labcorp Genetics (formerly Invitae), Labcorp
Classification: Uncertain significance. Last evaluated: 2023-02-15. Review status: criteria provided, single submitter. Criteria: Invitae Variant Classification Sherloc (09022015). Collection method: clinical testing. Allele origin: germline.
Comment: Advanced modeling of protein sequence and biophysical properties (such as structural, functional, and spatial information, amino acid conservation, physicochemical variation, residue mobility, and thermodynamic stability) performed at Invitae indicates that this missense variant is not expected to disrupt GRIN2D protein function. This sequence change replaces arginine, which is basic and polar, with lysine, which is basic and polar, at codon 700 of the GRIN2D protein (p.Arg700Lys). This variant is not present in population databases (gnomAD no frequency). This variant has not been reported in the literature in individuals affected with GRIN2D-related conditions. In summary, the available evidence is currently insufficient to determine the role of this variant in disease. Therefore, it has been classified as a Variant of Uncertain Significance.

NM_000836.4(GRIN2D):c.2099G>A (p.Arg700Lys)

Gene: GRIN2D (glutamate ionotropic receptor NMDA type subunit 2D; plus strand). Cytogenetic location: 19q13.33.
Variant type: single nucleotide variant.
Coding change: c.2099G>A on transcript NM_000836.4 (MANE Select); coding-DNA position 2099, G replaced by A.
Protein change: p.Arg700Lys; replaces arginine 700 with lysine.
Molecular consequence: missense variant.
Genome position (GRCh38, 1-based): chr19:48,421,792, G>A. VCF-style: chr19-48421792-G-A. GRCh37 (hg19) VCF-style: chr19-48925049-G-A.
Other names: short protein forms R700K.
Identifiers: ClinVar variation 2837624 (VCV002837624.3), dbSNP rs1971027740, ClinGen allele CA406663638.